The following is an entry in ClinVar:

NM_001281775.3(ZMYND8):c.1877del (p.Asp626fs)

Gene: ZMYND8 (zinc finger MYND-type containing 8; minus strand). Cytogenetic location: 20q13.12.
Variant type: Deletion.
Coding change: c.1877del on transcript NM_001281775.3 (MANE Select); coding-DNA position 1877, one base deleted (A; older notation c.1877delA).
Protein change: p.Asp626fs; shifts the reading frame from aspartic acid 626.
Molecular consequence: frameshift variant.
Genome position (GRCh38, 1-based): chr20:47,246,415, T deleted on the plus strand (A on the coding strand, the reverse complement: ZMYND8 is on the minus strand). VCF-style (leftmost placement, unchanged base first): chr20-47246414-AT-A. GRCh37 (hg19) VCF-style: chr20-45875158-AT-A.
Other names: c.1802del, p.Asp601fs (NM_001281771.3, NM_001281777.3, NM_001281778.3 and 2 more transcripts); c.1817del, p.Asp606fs (NM_001281772.3, NM_001281773.3, NM_001281774.3 and 1 more transcripts); c.1877del, p.Asp626fs (NM_001281776.3, NM_001281783.3, NM_012408.6 and 1 more transcripts); c.1073del, p.Asp358fs (NM_001281779.3, NM_001281780.3); c.1661del, p.Asp554fs (NM_001281781.3, NM_001281784.3); c.1898del, p.Asp633fs (NM_001363714.1); short protein forms D358fs, D554fs, D601fs, D606fs, D626fs, D633fs.
Identifiers: ClinVar variation 3897568 (VCV003897568.1).
Genomic context (GRCh38, chr20:47,246,414, plus strand): 5'-GTCCATCTGACAACCTTCTTTGTCCTCTGTGTCTTCTGGCTCGTTCTTAGACTTCTGCTC[AT>A]CATCACTGATATACTCACTATCGCTACTATCTGACTTCTCAGAATCCTCCGAATCGCTGT-3'

ClinVar aggregate classification (germline): Likely pathogenic (1 of 4 stars; one submission).

Conditions:
Intellectual disability. Also called: Intellectual functioning disability; intellectual disabilities; Intellectual developmental disorder. Identifiers: MedGen C3714756, MeSH D008607, MONDO:0001071, HP:0001249.

Submission:

Genetics Laboratory, UDIAT-Centre Diagnòstic, Hospital Universitari Parc Tauli
Classification: Likely pathogenic for intellectual disability. Last evaluated: 2023-05-18. Review status: criteria provided, single submitter. Criteria: ACMG Guidelines, 2015. Collection method: clinical testing. Allele origin: unknown. Inheritance: Autosomal dominant inheritance. Affected: yes.
Comment: PVS1_very strong;PM2_supporting